The following is an entry in ClinVar:

NM_005188.4(CBL):c.1247G>A (p.Cys416Tyr)

Gene: CBL (Cbl proto-oncogene; plus strand). Cytogenetic location: 11q23.3.
Variant type: single nucleotide variant.
Coding change: c.1247G>A on transcript NM_005188.4 (MANE Select); coding-DNA position 1247, G replaced by A.
Protein change: p.Cys416Tyr; replaces cysteine 416 with tyrosine.
Molecular consequence: missense variant.
Genome position (GRCh38, 1-based): chr11:119,278,529, G>A. VCF-style: chr11-119278529-G-A. GRCh37 (hg19) VCF-style: chr11-119149239-G-A.
Other names: short protein forms C416Y.
Identifiers: ClinVar variation 2804112 (VCV002804112.3), dbSNP rs757456261, ClinGen allele CA382913768.

ClinVar aggregate classification (germline): Uncertain significance (1 of 4 stars; one submission).

Conditions:
RASopathy. Also called: rasopathies; Noonan spectrum disorder. Identifiers: Orphanet 536391, MedGen C5555857, MONDO:0021060.

Allele frequency attached by ClinVar (database versions not stated): TOPMed below 0.00001.
gnomAD v4.1: 1 of 1,614,144 alleles (0.000062%); no homozygotes.

Submission:

Labcorp Genetics (formerly Invitae), Labcorp
Classification: Uncertain significance for RASopathy. Last evaluated: 2025-08-14. Review status: criteria provided, single submitter. Criteria: Invitae Variant Classification Sherloc (09022015). Collection method: clinical testing. Allele origin: germline.
Comment: This sequence change replaces cysteine, which is neutral and slightly polar, with tyrosine, which is neutral and polar, at codon 416 of the CBL protein (p.Cys416Tyr). This variant is not present in population databases (gnomAD no frequency). This variant has not been reported in the literature in individuals affected with CBL-related conditions. ClinVar contains an entry for this variant (Variation ID: 2804112). Invitae Evidence Modeling of protein sequence and biophysical properties (such as structural, functional, and spatial information, amino acid conservation, physicochemical variation, residue mobility, and thermodynamic stability) indicates that this missense variant is expected to disrupt CBL protein function with a positive predictive value of 95%. In summary, the available evidence is currently insufficient to determine the role of this variant in disease. Therefore, it has been classified as a Variant of Uncertain Significance.